The following is an entry in ClinVar:

NM_001040716.2(PC):c.2249C>T (p.Thr750Met)

Gene: PC (pyruvate carboxylase; minus strand). Cytogenetic location: 11q13.2.
Variant type: single nucleotide variant.
Coding change: c.2249C>T on transcript NM_001040716.2 (MANE Select); coding-DNA position 2249, C replaced by T.
Protein change: p.Thr750Met; replaces threonine 750 with methionine.
Molecular consequence: missense variant.
Genome position (GRCh38, 1-based): chr11:66,850,898, G>A on the plus strand (C>T on the coding strand, the complement: PC is on the minus strand). VCF-style: chr11-66850898-G-A. GRCh37 (hg19) VCF-style: chr11-66618369-G-A.
Other names: p.T750M:ACG>ATG; c.2249C>T, p.Thr750Met (NM_000920.4, NM_022172.3); short protein forms T750M.
Identifiers: ClinVar variation 138579 (VCV000138579.13), dbSNP rs145400751, ClinGen allele CA292672.

ClinVar aggregate classification (germline): Benign. Review status: criteria provided, multiple submitters, no conflicts (2 of 4 stars). 3 submissions from 3 submitters: Benign (3). Last evaluated 2026-02-01.

Conditions:
Pyruvate carboxylase deficiency. Also called: Pyruvate Carboxylase Deficiency Disease; ATAXIA WITH LACTIC ACIDOSIS II; LEIGH NECROTIZING ENCEPHALOPATHY DUE TO PYRUVATE CARBOXYLASE DEFICIENCY; LEIGH SYNDROME DUE TO PYRUVATE CARBOXYLASE DEFICIENCY; PC DEFICIENCY. Identifiers: Orphanet 3008, MedGen C0034341, MONDO:0009949, OMIM 266150.

Allele frequency attached by ClinVar (database versions not stated): gnomAD exomes 0.00057 and 0.00156; ExAC 0.00176; 1000 Genomes Project 0.00539; 1000 Genomes Project 30x 0.00547; ESP Exome Variant Server 0.00554; gnomAD 0.00613 and 0.00662; TOPMed 0.00689.
gnomAD v4.1: 1,803 of 1,609,986 alleles (0.11%); highest among the groups gnomAD compares: African/African-American, 2.1%; 21 homozygotes.

Submissions (3):

Labcorp Genetics (formerly Invitae), Labcorp
Classification: Benign for Pyruvate carboxylase deficiency. Last evaluated: 2026-02-01. Review status: criteria provided, single submitter. Criteria: Invitae Variant Classification Sherloc (09022015). Collection method: clinical testing. Allele origin: germline.

GeneDx
Classification: Benign. Last evaluated: 2014-02-09. Review status: criteria provided, single submitter. Criteria: GeneDx Variant Classification (06012015). Collection method: clinical testing. Allele origin: germline. Affected: yes.
Comment: This variant is considered likely benign or benign based on one or more of the following criteria: it is a conservative change, it occurs at a poorly conserved position in the protein, it is predicted to be benign by multiple in silico algorithms, and/or has population frequency not consistent with disease.

Breakthrough Genomics
Classification: Benign. Review status: criteria provided, single submitter. Criteria: ACMG Guidelines, 2015. Collection method: not provided. Allele origin: germline. Inheritance: Autosomal recessive inheritance. Affected: yes.